The following is an entry in ClinVar:

ClinVar aggregate classification (germline): Uncertain significance (1 of 4 stars; one submission).

gnomAD v4.1: 9 of 1,613,456 alleles (0.00056%); highest among the groups gnomAD compares: African/African-American, 0.0027%; no homozygotes.

Submission:

Labcorp Genetics (formerly Invitae), Labcorp
Classification: Uncertain significance. Last evaluated: 2025-12-22. Review status: criteria provided, single submitter. Criteria: Invitae Variant Classification Sherloc (09022015). Collection method: clinical testing. Allele origin: germline.
Comment: This sequence change replaces arginine, which is basic and polar, with tryptophan, which is neutral and slightly polar, at codon 435 of the ZNF408 protein (p.Arg435Trp). This variant is present in population databases (rs747780603, gnomAD 0.007%). This variant has not been reported in the literature in individuals affected with ZNF408-related conditions. An algorithm developed to predict the effect of missense changes on protein structure and function (PolyPhen-2) suggests that this variant is likely to be disruptive. In summary, the available evidence is currently insufficient to determine the role of this variant in disease. Therefore, it has been classified as a Variant of Uncertain Significance.

NM_024741.3(ZNF408):c.1303C>T (p.Arg435Trp)

Gene: ZNF408 (zinc finger protein 408; plus strand). Cytogenetic location: 11p11.2.
Variant type: single nucleotide variant.
Coding change: c.1303C>T on transcript NM_024741.3 (MANE Select); coding-DNA position 1303, C replaced by T.
Protein change: p.Arg435Trp; replaces arginine 435 with tryptophan.
Molecular consequence: missense variant.
Genome position (GRCh38, 1-based): chr11:46,705,003, C>T. VCF-style: chr11-46705003-C-T. GRCh37 (hg19) VCF-style: chr11-46726553-C-T.
Other names: c.1279C>T, p.Arg427Trp (NM_001184751.2); short protein forms R427W, R435W.
Identifiers: ClinVar variation 4778799 (VCV004778799.1).